The following is an entry in ClinVar:

NM_022089.4(ATP13A2):c.840G>T (p.Lys280Asn)

Gene: ATP13A2 (ATPase cation transporting 13A2; minus strand). Cytogenetic location: 1p36.13.
Variant type: single nucleotide variant.
Coding change: c.840G>T on transcript NM_022089.4 (MANE Select); coding-DNA position 840, G replaced by T.
Protein change: p.Lys280Asn; replaces lysine 280 with asparagine.
Molecular consequence: missense variant.
Genome position (GRCh38, 1-based): chr1:17,000,400, C>A on the plus strand (G>T on the coding strand, the complement: ATP13A2 is on the minus strand). VCF-style: chr1-17000400-C-A. GRCh37 (hg19) VCF-style: chr1-17326895-C-A.
Other names: c.825G>T, p.Lys275Asn (NM_001141973.3, NM_001141974.3); short protein forms K275N, K280N.
Identifiers: ClinVar variation 876417 (VCV000876417.10), dbSNP rs1326739914, ClinGen allele CA338257873.

ClinVar aggregate classification (germline): Uncertain significance. Review status: criteria provided, multiple submitters, no conflicts (2 of 4 stars). 3 submissions from 3 submitters: Uncertain significance (3). Last evaluated 2022-03-11.

Conditions:
Inborn genetic diseases. Identifiers: MedGen C0950123, MeSH D030342.
Kufor-Rakeb syndrome (KRS). Also called: PARKINSON DISEASE 9, AUTOSOMAL RECESSIVE, JUVENILE-ONSET. Identifiers: Orphanet 306674, Orphanet 314632, MedGen C1847640, MONDO:0011706, OMIM 606693.
Autosomal recessive spastic paraplegia type 78. Identifiers: Orphanet 513436, MedGen C5567893, MONDO:0014975, OMIM 617225.

Allele frequency attached by ClinVar (database versions not stated): gnomAD exomes below 0.00001; gnomAD 0.00001; TOPMed 0.00001.
gnomAD v4.1: 12 of 1,612,122 alleles (0.00074%); highest among the groups gnomAD compares: Non-Finnish European, 0.001%; no homozygotes.

Submissions (3):

Labcorp Genetics (formerly Invitae), Labcorp
Classification: Uncertain significance for Kufor-Rakeb syndrome; Autosomal recessive spastic paraplegia type 78. Last evaluated: 2022-03-11. Review status: criteria provided, single submitter. Criteria: Invitae Variant Classification Sherloc (09022015). Collection method: clinical testing. Allele origin: germline.
Comment: ClinVar contains an entry for this variant (Variation ID: 876417). This sequence change replaces lysine, which is basic and polar, with asparagine, which is neutral and polar, at codon 280 of the ATP13A2 protein (p.Lys280Asn). This variant also falls at the last nucleotide of exon 9, which is part of the consensus splice site for this exon. The frequency data for this variant in the population databases is considered unreliable, as metrics indicate poor data quality at this position in the gnomAD database. This variant has not been reported in the literature in individuals affected with ATP13A2-related conditions. Algorithms developed to predict the effect of missense changes on protein structure and function are either unavailable or do not agree on the potential impact of this missense change (SIFT: "Deleterious"; PolyPhen-2: "Possibly Damaging"; Align-GVGD: "Class C0"). Variants that disrupt the consensus splice site are a relatively common cause of aberrant splicing (PMID: 17576681, 9536098). Algorithms developed to predict the effect of sequence changes on RNA splicing suggest that this variant may create or strengthen a splice site. In summary, the available evidence is currently insufficient to determine the role of this variant in disease. Therefore, it has been classified as a Variant of Uncertain Significance.

Ambry Genetics
Classification: Uncertain significance for Inborn genetic diseases. Last evaluated: 2018-01-17. Review status: criteria provided, single submitter. Criteria: Ambry Variant Classification Scheme 2023. Collection method: clinical testing. Allele origin: germline.
Comment: The c.840G>T variant (also known as p.K280N), located in coding exon 9 of the ATP13A2 gene, results from a G to T substitution at nucleotide position 840. The amino acid change results in lysine to asparagine at codon 280, an amino acid with similar properties. However, this change occurs in the last base pair of coding exon 9, which makes it likely to have some effect on normal mRNA splicing. This nucleotide position is highly conserved in available vertebrate species. Using two different splice site prediction tools, this alteration is predicted by ESEfinder to weaken the efficiency of the native splice donor site, but is not predicted to have a deleterious effect on this splice donor site by BDGP; however, direct evidence is unavailable. In addition, the in silico prediction for this alteration is inconclusive. Since supporting evidence is limited at this time, the clinical significance of this alteration remains unclear.

Illumina Laboratory Services, Illumina
Classification: Uncertain significance for Kufor-Rakeb syndrome. Last evaluated: 2018-01-12. Review status: criteria provided, single submitter. Criteria: ICSL Variant Classification Criteria 13 December 2019. Collection method: clinical testing. Allele origin: germline.

Literature cited by the submitters: PubMed 17576681 (cited by Labcorp Genetics (formerly Invitae), Labcorp); PubMed 9536098 (cited by Labcorp Genetics (formerly Invitae), Labcorp).